The following is an entry in ClinVar:

NM_017947.4(MOCOS):c.231T>C (p.Tyr77=)

Gene: MOCOS (molybdenum cofactor sulfurase; plus strand). Cytogenetic location: 18q12.2.
Variant type: single nucleotide variant.
Coding change: c.231T>C on transcript NM_017947.4 (MANE Select); coding-DNA position 231, T replaced by C.
Protein change: p.Tyr77=; no amino-acid change (tyrosine 77 retained).
Molecular consequence: synonymous variant.
Genome position (GRCh38, 1-based): chr18:36,195,345, T>C. VCF-style: chr18-36195345-T-C. GRCh37 (hg19) VCF-style: chr18-33775308-T-C.
Identifiers: ClinVar variation 2066721 (VCV002066721.3), dbSNP rs375813993, ClinGen allele CA8940337.

ClinVar aggregate classification (germline): Uncertain significance (1 of 4 stars; one submission).

Conditions:
Xanthinuria type II. Also called: Xanthine dehydrogenase and aldehyde oxidase combined deficiency of; XDH and AOX dual deficiency. Identifiers: Orphanet 3467, Orphanet 93602, MedGen C1863688, MONDO:0011346, OMIM 603592.

Allele frequency attached by ClinVar (database versions not stated): TOPMed 0.00004; gnomAD 0.00005; gnomAD exomes 0.00006; ESP Exome Variant Server 0.00008; ExAC 0.00015.
gnomAD v4.1: 102 of 1,613,438 alleles (0.0063%); highest among the groups gnomAD compares: East Asian, 0.17%; no homozygotes.

Submission:

Labcorp Genetics (formerly Invitae), Labcorp
Classification: Uncertain significance for Xanthinuria type II. Last evaluated: 2024-06-17. Review status: criteria provided, single submitter. Criteria: Invitae Variant Classification Sherloc (09022015). Collection method: clinical testing. Allele origin: germline.
Comment: This sequence change affects codon 77 of the MOCOS mRNA. It is a 'silent' change, meaning that it does not change the encoded amino acid sequence of the MOCOS protein. It affects a nucleotide within the consensus splice site. This variant is present in population databases (rs375813993, gnomAD 0.2%). This variant has not been reported in the literature in individuals affected with MOCOS-related conditions. ClinVar contains an entry for this variant (Variation ID: 2066721). Algorithms developed to predict the effect of sequence changes on RNA splicing suggest that this variant is not likely to affect RNA splicing. In summary, the available evidence is currently insufficient to determine the role of this variant in disease. Therefore, it has been classified as a Variant of Uncertain Significance.